The following is an entry in ClinVar:

NM_001134363.3(RBM20):c.994G>C (p.Asp332His)

Gene: RBM20 (RNA binding motif protein 20; plus strand). Cytogenetic location: 10q25.2.
Variant type: single nucleotide variant.
Coding change: c.994G>C on transcript NM_001134363.3 (MANE Select); coding-DNA position 994, G replaced by C.
Protein change: p.Asp332His; replaces aspartic acid 332 with histidine.
Molecular consequence: missense variant.
Genome position (GRCh38, 1-based): chr10:110,781,603, G>C. VCF-style: chr10-110781603-G-C. GRCh37 (hg19) VCF-style: chr10-112541361-G-C.
Other names: short protein forms D332H.
Identifiers: ClinVar variation 3895150 (VCV003895150.1).

ClinVar aggregate classification (germline): Uncertain significance (1 of 4 stars; one submission).

Conditions:
Cardiovascular phenotype. Identifiers: MedGen CN230736.

Submission:

Molecular Diagnostic Laboratory for Inherited Cardiovascular Disease, Montreal Heart Institute
Classification: Uncertain significance for Cardiovascular phenotype. Last evaluated: 2025-04-09. Review status: criteria provided, single submitter. Criteria: ACMG Guidelines, 2015. Collection method: clinical testing. Allele origin: germline. Affected: yes.
Comment: PM2